The following is an entry in ClinVar:

NM_025132.4(WDR19):c.961+102A>T

Gene: WDR19 (WD repeat domain 19; plus strand). Cytogenetic location: 4p14.
Variant type: single nucleotide variant.
Coding change: c.961+102A>T on transcript NM_025132.4 (MANE Select); 102 bases into the intron after coding-DNA position 961, A replaced by T.
Molecular consequence: intron variant.
Genome position (GRCh38, 1-based): chr4:39,214,773, A>T. VCF-style: chr4-39214773-A-T. GRCh37 (hg19) VCF-style: chr4-39216393-A-T.
Other names: c.481+102A>T (NM_001317924.2).
Identifiers: ClinVar variation 1707109 (VCV001707109.2), dbSNP rs746296246, ClinGen allele CA95691571.
Genomic context (GRCh38, chr4:39,214,773, plus strand): 5'-GTTACAGAGAGTAAGGTTGTGTTTGTTATCGTGTGATTTGCATTCGTTGTAGGAGGAATA[A>T]TTTTTTTTTTTTTTTTTGAGATGGATTCTTGTTTTGTAGCCCTGGATGGAATGCAATGGC-3'

ClinVar aggregate classification (germline): Likely benign (1 of 4 stars; one submission).

gnomAD v4.1: 3,536 of 504,364 alleles (0.7%); highest among the groups gnomAD compares: Non-Finnish European, 0.88%; 11 homozygotes.

Submission:

GeneDx
Classification: Likely benign. Last evaluated: 2021-05-22. Review status: criteria provided, single submitter. Criteria: GeneDx Variant Classification Process June 2021. Collection method: clinical testing. Allele origin: germline. Affected: yes.
Comment: See Variant Classification Assertion Criteria.